The following is an entry in ClinVar:

NM_000410.4(HFE):c.1006+1G>A

Gene: HFE (homeostatic iron regulator; plus strand). Cytogenetic location: 6p22.2.
Variant type: single nucleotide variant.
Coding change: c.1006+1G>A on transcript NM_000410.4 (MANE Select); the canonical splice donor site of the intron after coding-DNA position 1006, G replaced by A.
Molecular consequence: splice donor variant.
Genome position (GRCh38, 1-based): chr6:26,093,233, G>A. VCF-style: chr6-26093233-G-A. GRCh37 (hg19) VCF-style: chr6-26093461-G-A.
Other names: c.997+1G>A (NM_001406751.1); c.1006+1G>A (NM_001384164.1, NM_001300749.3); c.964+1G>A (NM_139006.3); c.730+1G>A (NM_139004.3); c.688+1G>A (NM_139003.3); c.937+1G>A (NM_139009.3); c.742+1G>A (NM_139007.3, NM_001406752.1); c.700+1G>A (NM_139008.3); and 2 more.
Identifiers: ClinVar variation 1065637 (VCV001065637.24), dbSNP rs573745685, ClinGen allele CA3666793.

ClinVar aggregate classification (germline): Pathogenic/Likely pathogenic. Review status: criteria provided, multiple submitters, no conflicts (2 of 4 stars). 12 submissions from 12 submitters: Pathogenic (3); Likely pathogenic (8). 1 of the submissions does not count toward it. Last evaluated 2026-09-14.

Conditions:
Variegate porphyria (VP). Also called: PORPHYRIA, SOUTH AFRICAN TYPE; PROTOPORPHYRINOGEN OXIDASE DEFICIENCY; PPOX DEFICIENCY. Identifiers: Orphanet 79473, MedGen C0162532, MONDO:0008297, OMIM 176200.
Alzheimer disease type 1 (AD1). Also called: ALZHEIMER DISEASE, FAMILIAL, 1; ALZHEIMER DISEASE, FAMILIAL, 1, AUTOSOMAL RECESSIVE. Identifiers: MedGen C1863052, MONDO:0007088, OMIM 104300.
Microvascular complications of diabetes, susceptibility to, 7. Identifiers: MedGen C2673520, MONDO:0012971, OMIM 612635.
Hemochromatosis type 1 (HFE1). Also called: HFE-Related Hemochromatosis; HFE-Associated Hereditary Hemochromatosis. Identifiers: Orphanet 465508, MedGen C3469186, MONDO:0021001, OMIM 235200. Disease mechanism: loss of function.
TRANSFERRIN SERUM LEVEL QUANTITATIVE TRAIT LOCUS 2 (TFQTL2). Identifiers: MedGen C3280096, OMIM 614193.
Familial porphyria cutanea tarda (PCT). Also called: PCT, ''FAMILIAL'' TYPE; PCT, TYPE II; PORPHYRIA CUTANEA TARDA, TYPE II; PORPHYRIA, HEPATOCUTANEOUS TYPE; UROD DEFICIENCY; UROPORPHYRINOGEN DECARBOXYLASE DEFICIENCY. Identifiers: Orphanet 101330, Orphanet 443062, MedGen C0268323, MONDO:0008296, OMIM 176100.
HFE-related disorder. Also called: HFE-related condition.
Hereditary hemochromatosis (HFE). Identifiers: MedGen C0392514, MONDO:0006507. Disease mechanism: loss of function.

Allele frequency attached by ClinVar (database versions not stated): gnomAD 0.00004 and 0.00006; TOPMed 0.00004; gnomAD exomes 0.00006; ExAC 0.00007; 1000 Genomes Project 0.00060; 1000 Genomes Project 30x 0.00062.
gnomAD v4.1: 27 of 1,601,778 alleles (0.0017%); highest among the groups gnomAD compares: East Asian, 0.054%; no homozygotes.

Submissions (15):

PreventionGenetics, part of Exact Sciences
Classification: Pathogenic for HFE-related condition. Last evaluated: 2026-09-14. Review status: criteria provided, single submitter. Criteria: ACMG Guidelines, 2015. Collection method: clinical testing. Allele origin: germline.
Comment: The HFE c.1006+1G>A variant is predicted to disrupt the GT donor site and interfere with normal splicing. This variant, alternatively referred to as IVS5+1 G/A in the literature, has been reported in the homozygous state in an individual with hemochromatosis (Steiner et al. 2002. PubMed ID: 11875012). This variant has also been reported in the compound heterozygous state with the p.Cys282Tyr variant in two siblings with suspected hemochromatosis (Hamdi-Rozé et al. 2016. PubMed ID: 27518069). RT-PCR analysis shows this variant alters splicing, resulting in two PCR products, one being an in-frame skipping of exon 5 and the second that includes intron 4 and intron 5 (Steiner et al. 2002. PubMed ID: 11875012). In at least one study, this variant was found in the homozygous state in a control individual (Steiner et al. 2007. PubMed ID: 17240320). This variant is reported in 0.085% of alleles in individuals of East Asian descent in gnomAD and is interpreted as likely pathogenic/pathogenic in ClinVar (Variation ID: 1065637). Variants that disrupt the consensus splice donor site in HFE are expected to be pathogenic. This variant is interpreted as pathogenic.

Labcorp Genetics (formerly Invitae), Labcorp
Classification: Pathogenic for Hereditary hemochromatosis. Last evaluated: 2025-11-26. Review status: criteria provided, single submitter. Criteria: Invitae Variant Classification Sherloc (09022015). Collection method: clinical testing. Allele origin: germline.
Comment: This sequence change affects a donor splice site in intron 5 of the HFE gene. While this variant is not anticipated to result in nonsense mediated decay, it likely alters RNA splicing and results in a disrupted protein product. This variant is present in population databases (rs573745685, gnomAD 0.08%). Disruption of this splice site has been observed in individuals with hereditary hemochromatosis (PMID: 11875012, 17240320, 27518069). ClinVar contains an entry for this variant (Variation ID: 1065637). Variants that disrupt the consensus splice site are a relatively common cause of aberrant splicing (PMID: 17576681, 9536098). Studies have shown that disruption of this splice site is associated with altered splicing resulting in multiple RNA products (PMID: 11875012). For these reasons, this variant has been classified as Pathogenic.

Blueprint Genetics
Classification: Likely pathogenic for HFE-related disorders. Last evaluated: 2024-06-17. Review status: criteria provided, single submitter. Criteria: ACMG Guidelines, 2015. Collection method: clinical testing. Allele origin: germline. Affected: yes. Observed: 5 variant alleles.

Genome-Nilou Lab
Classification: Likely pathogenic for Hemochromatosis type 1. Last evaluated: 2023-02-08. Review status: criteria provided, single submitter. Criteria: ACMG Guidelines, 2015. Collection method: clinical testing. Allele origin: germline.

GeneDx
Classification: Likely pathogenic. Last evaluated: 2023-02-03. Review status: criteria provided, single submitter. Criteria: GeneDx Variant Classification Process June 2021. Collection method: clinical testing. Allele origin: germline. Affected: yes.
Comment: Canonical splice site variant expected to result in aberrant splicing; RNA analysis has demonstrated skipping of exon 5 (Steiner et al., 2002); Common variant among the Kinh Vietnamese (KHV) people (Le et al., 2019); This variant is associated with the following publications: (PMID: 25525159, 20008199, 17661915, 15965644, 31180159, 16570681, 12737949, 17240320, 26456104, 23577916, 16234038, 16132052, 11875012, 15182337, 16443912, 27518069)

Revvity Omics, Revvity
Classification: Likely pathogenic for Hemochromatosis type 1. Last evaluated: 2022-04-19. Review status: criteria provided, single submitter. Criteria: ACMG Guidelines, 2015. Collection method: clinical testing. Allele origin: germline.

Fulgent Genetics
Classification: Pathogenic for Alzheimer disease type 1; Familial porphyria cutanea tarda; Variegate porphyria; Hemochromatosis type 1; Microvascular complications of diabetes, susceptibility to, 7; TRANSFERRIN SERUM LEVEL QUANTITATIVE TRAIT LOCUS 2. Last evaluated: 2022-03-30. Review status: criteria provided, single submitter. Criteria: ACMG Guidelines, 2015. Collection method: clinical testing. Allele origin: unknown.

Women's Health and Genetics/Laboratory Corporation of America, LabCorp
Classification: Likely pathogenic for Hemochromatosis type 1. Last evaluated: 2022-02-17. Review status: criteria provided, single submitter. Criteria: LabCorp Variant Classification Summary - May 2015. Collection method: clinical testing. Allele origin: germline.
Comment: Variant summary: HFE c.1006+1G>A is located in a canonical splice-site and is predicted to affect mRNA splicing resulting in a significantly altered protein due to either exon skipping, shortening, or inclusion of intronic material. Several computational tools predict a significant impact on normal splicing: Four predict the variant abolishes a 5 splicing donor site. However, these predictions have yet to be confirmed by functional studies. The variant allele was found at a frequency of 6.4e-05 in 251332 control chromosomes. This frequency is not significantly higher than expected for a pathogenic variant in HFE causing Hemochromatosis Type 1 (6.4e-05 vs 0.046), allowing no conclusion about variant significance. c.1006+1G>A has been reported in the literature in individuals affected with Hemochromatosis Type 1 (Hamdi-Roze_2016). However, a case-control study showed that this variant was not associated with serum ferritin or transferrin saturation (Steiner_2007). To our knowledge, no experimental evidence demonstrating an impact on protein function has been reported. One clinical diagnostic laboratory has submitted clinical-significance assessments for this variant to ClinVar after 2014 without evidence for independent evaluation and classified the variant as likely pathogenic. Based on the evidence outlined above, the variant was classified as VUS.

School of Computer Science, University of Waterloo
Classification: Likely pathogenic for Hemochromatosis type 1. Last evaluated: 2021-05-06. Review status: criteria provided, single submitter. Criteria: ACMG Guidelines, 2015. Collection method: clinical testing. Allele origin: germline. Affected: no. Observed: 15 variant alleles.
Comment: Evidence categories PVS1 and PM2 in ACMG guidelines. This is a splice donor variant in gene HFE that may disrupt mRNA splicing and result in an absent or disrupted protein product.

Juno Genomics, Hangzhou Juno Genomics, Inc
Classification: Likely pathogenic for Hemochromatosis type 1. Review status: criteria provided, single submitter. Criteria: ACMG Guidelines, 2015. Collection method: clinical testing. Allele origin: germline.
Comment: Null variant in a gene where loss of function (LOF) is a known mechanism of disease.;For recessive disorders, detected in trans with a pathogenic variant.;Patient's phenotype or family history is highly specific for a disease with a single genetic etiology.

Neuberg Centre For Genomic Medicine, NCGM
Classification: Likely pathogenic for Hemochromatosis type 1. Review status: criteria provided, single submitter. Criteria: ACMG Guidelines, 2015. Collection method: clinical testing. Allele origin: germline. Inheritance: Autosomal recessive inheritance. Affected: yes.

Dr. Peter K. Rogan Lab, Western University
No classification provided (evidence only). Condition: Hepatocellular carcinoma. Review status: no classification provided. Collection method: in vitro. Allele origin: not applicable. Functional consequence: skipped exon, retained intron. Not counted in ClinVar's aggregate classification.

Dr. Peter K. Rogan Lab, Western University
No classification provided (evidence only). Condition: Gastric cancer. Review status: no classification provided. Collection method: in vitro. Allele origin: not applicable. Functional consequence: retained intron. Not counted in ClinVar's aggregate classification.

Dr. Peter K. Rogan Lab, Western University
No classification provided (evidence only). Condition: Gastric cancer. Review status: no classification provided. Collection method: in vitro. Allele origin: not applicable. Functional consequence: retained intron. Not counted in ClinVar's aggregate classification.

GeneReviews
No classification provided. Condition: Hemochromatosis type 1. Review status: no classification provided. Collection method: literature only. Allele origin: germline. Not counted in ClinVar's aggregate classification.

Literature cited by the submitters: PubMed 11875012 (cited by Labcorp Genetics (formerly Invitae), Labcorp); PubMed 17240320 (cited by Labcorp Genetics (formerly Invitae), Labcorp and Women's Health and Genetics/Laboratory Corporation of America, LabCorp); PubMed 27518069 (cited by Labcorp Genetics (formerly Invitae), Labcorp and Women's Health and Genetics/Laboratory Corporation of America, LabCorp); PubMed 17576681 (cited by Labcorp Genetics (formerly Invitae), Labcorp); PubMed 9536098 (cited by Labcorp Genetics (formerly Invitae), Labcorp); PubMed 26456104 (cited by GeneReviews).